The following is an entry in ClinVar:

NM_001378454.1(ALMS1):c.11223G>A (p.Glu3741=)

Gene: ALMS1 (ALMS1 centrosome and basal body associated protein; plus strand). Cytogenetic location: 2p13.1.
Variant type: single nucleotide variant.
Coding change: c.11223G>A on transcript NM_001378454.1 (MANE Select); coding-DNA position 11223, G replaced by A.
Protein change: p.Glu3741=; no amino-acid change (glutamic acid 3741 retained).
Molecular consequence: synonymous variant.
Genome position (GRCh38, 1-based): chr2:73,573,100, G>A. VCF-style: chr2-73573100-G-A. GRCh37 (hg19) VCF-style: chr2-73800227-G-A.
Other names: c.11226G>A, p.Glu3742= (NM_015120.4).
Identifiers: ClinVar variation 391518 (VCV000391518.47), dbSNP rs28730859, ClinGen allele CA1715141.
Genomic context (GRCh38, chr2:73,573,100, plus strand): 5'-GAGTAAACAGCCAGGTTTTAATTATATAAGCAACACTTCTTCGGATTGTCGGCCCTCAGA[G>A]GAGAGTGAGCTGCTCACAGATACTACCACCAACATCCTTTCCGGCACCACTTCTACTGTC-3'
Protein context (NP_001365383.1, residues 3731-3751): SNTSSDCRPS[Glu3741=]ESELLTDTTT

ClinVar aggregate classification (germline): Likely benign. Review status: criteria provided, multiple submitters, no conflicts (2 of 4 stars). 9 submissions from 9 submitters: Likely benign (7). 2 of the submissions do not count toward it. Last evaluated 2026-01-31.

Conditions:
Cardiovascular phenotype. Identifiers: MedGen CN230736.
Alstrom syndrome (ALMS). Identifiers: Orphanet 64, MedGen C0268425, MONDO:0008763, OMIM 203800.

Allele frequency attached by ClinVar (database versions not stated): 1000 Genomes Project 0.00020; 1000 Genomes Project 30x 0.00047; gnomAD 0.00059 and 0.00061; TOPMed 0.00062; gnomAD exomes 0.00063 and 0.00089; ExAC 0.00064; ESP Exome Variant Server 0.00099.
gnomAD v4.1: 1,362 of 1,614,042 alleles (0.084%); highest among the groups gnomAD compares: Non-Finnish European, 0.11%; 1 homozygote.

Submissions (9):

Labcorp Genetics (formerly Invitae), Labcorp
Classification: Likely benign for Alstrom syndrome. Last evaluated: 2026-01-31. Review status: criteria provided, single submitter. Criteria: Invitae Variant Classification Sherloc (09022015). Collection method: clinical testing. Allele origin: germline.

Women's Health and Genetics/Laboratory Corporation of America, LabCorp
Classification: Likely benign. Last evaluated: 2025-07-24. Review status: criteria provided, single submitter. Criteria: LabCorp Variant Classification Summary - May 2015. Collection method: clinical testing. Allele origin: germline.

ARUP Laboratories, Molecular Genetics and Genomics, ARUP Laboratories
Classification: Likely benign for Alstrom syndrome. Last evaluated: 2025-03-05. Review status: criteria provided, single submitter. Criteria: ARUP Molecular Germline Variant Investigation Process 2024. Collection method: clinical testing. Allele origin: germline.

Blueprint Genetics
Classification: Likely benign. Last evaluated: 2024-11-15. Review status: criteria provided, single submitter. Criteria: ACMG Guidelines, 2015. Collection method: clinical testing. Allele origin: germline.

CeGaT Center for Human Genetics Tuebingen
Classification: Likely benign. Last evaluated: 2023-03-01. Review status: criteria provided, single submitter. Criteria: CeGaT Center For Human Genetics Tuebingen Variant Classification Criteria Version 2. Collection method: clinical testing. Allele origin: germline. Affected: yes. Observed: 1 variant allele.
Comment: ALMS1: BP4, BP7

GeneDx
Classification: Likely benign. Last evaluated: 2021-03-04. Review status: criteria provided, single submitter. Criteria: GeneDx Variant Classification Process June 2021. Collection method: clinical testing. Allele origin: germline. Affected: yes.

Ambry Genetics
Classification: Likely benign for Cardiovascular phenotype. Last evaluated: 2019-03-08. Review status: criteria provided, single submitter. Criteria: Ambry Variant Classification Scheme 2023. Collection method: clinical testing. Allele origin: germline.

Clinical Genetics DNA and cytogenetics Diagnostics Lab, Erasmus MC, Erasmus Medical Center
Classification: Likely benign. Review status: no assertion criteria provided. Collection method: clinical testing. Allele origin: germline. Affected: yes. Study: VKGL Data-share Consensus. Not counted in ClinVar's aggregate classification.

Genome Diagnostics Laboratory, University Medical Center Utrecht
Classification: Likely benign. Review status: no assertion criteria provided. Collection method: clinical testing. Allele origin: germline. Affected: yes. Study: VKGL Data-share Consensus. Not counted in ClinVar's aggregate classification.